The following is an entry in ClinVar:

NM_001252.5(CD70):c.371A>G (p.His124Arg)

Gene: CD70 (CD70 molecule; minus strand). Cytogenetic location: 19p13.3.
Variant type: single nucleotide variant.
Coding change: c.371A>G on transcript NM_001252.5 (MANE Select); coding-DNA position 371, A replaced by G.
Protein change: p.His124Arg; replaces histidine 124 with arginine.
Molecular consequence: missense variant.
Genome position (GRCh38, 1-based): chr19:6,586,231, T>C on the plus strand (A>G on the coding strand, the complement: CD70 is on the minus strand). VCF-style: chr19-6586231-T-C. GRCh37 (hg19) VCF-style: chr19-6586242-T-C.
Other names: c.371A>G, p.His124Arg (NM_001330332.2); short protein forms H124R.
Identifiers: ClinVar variation 4082404 (VCV004082404.2).

ClinVar aggregate classification (germline): Uncertain significance (1 of 4 stars; one submission).

Submission:

Genetic Services Laboratory, University of Chicago
Classification: Uncertain significance. Last evaluated: 2023-01-19. Review status: criteria provided, single submitter. Criteria: ACMG Guidelines, 2015. Collection method: clinical testing. Allele origin: germline. Affected: no.
Comment: DNA sequence analysis of the CD70 gene demonstrated a sequence change, c.371A>G, in exon 3 that results in an amino acid change, p.His124Arg. This sequence change does not appear to have been previously described in individuals with CD70-related disorders and has also not been described in population databases such as ExAC and gnomAD. The p.His124Arg change affects a poorly conserved amino acid residue located in a domain of the CD70 protein that is known to be functional. The p.His124Arg substitution appears to be benign using several in-silico pathogenicity prediction tools (SIFT, PolyPhen2, Align GVGD, REVEL). Due to insufficient evidences and the lack of functional studies, the clinical significance of the p.His124Arg change remains unknown at this time.